The following is an entry in ClinVar:

ClinVar aggregate classification (germline): Benign. Review status: criteria provided, multiple submitters, no conflicts (2 of 4 stars). 5 submissions from 5 submitters: Benign (5). Last evaluated 2026-09-21.

Conditions:
Supravalvar aortic stenosis (SVAS). Also called: Supravalvar aortic stenosis, Eisenberg type. Identifiers: Orphanet 3193, MedGen C0003499, MONDO:0008504, OMIM 185500, HP:0004381.

Submissions (5):

Molecular Diagnostic Laboratory for Inherited Cardiovascular Disease, Montreal Heart Institute
Classification: Benign. Last evaluated: 2026-09-21. Review status: criteria provided, single submitter. Criteria: ACMG Guidelines, 2015. Collection method: clinical testing. Allele origin: germline. Affected: no.
Comment: BA1

Labcorp Genetics (formerly Invitae), Labcorp
Classification: Benign for Supravalvar aortic stenosis. Last evaluated: 2026-02-03. Review status: criteria provided, single submitter. Criteria: Invitae Variant Classification Sherloc (09022015). Collection method: clinical testing. Allele origin: germline.

Blueprint Genetics
Classification: Benign. Last evaluated: 2024-11-27. Review status: criteria provided, single submitter. Criteria: ACMG Guidelines, 2015. Collection method: clinical testing. Allele origin: germline.

GeneDx
Classification: Benign. Last evaluated: 2019-08-18. Review status: criteria provided, single submitter. Criteria: GeneDx Variant Classification Process June 2021. Collection method: clinical testing. Allele origin: germline. Affected: yes.

Laboratory for Molecular Medicine, Mass General Brigham Personalized Medicine
Classification: Benign. Last evaluated: 2016-03-28. Review status: criteria provided, single submitter. Criteria: LMM Criteria. Collection method: clinical testing. Allele origin: germline.
Comment: Variant identified in a genome or exome case(s) and assessed due to predicted null impact of the variant or pathogenic assertions in the literature or databases. Disclaimer: This variant has not undergone full assessment. The following are preliminary notes: Frequency

NM_000501.4(ELN):c.1096+12TG[17]

Gene: ELN (elastin; plus strand). Cytogenetic location: 7q11.23.
Variant type: Microsatellite.
Coding change: c.1096+12TG[17] on transcript NM_000501.4 (MANE Select); 17 copies in a row of the 2-base unit TG starting at c.1096+12.
Molecular consequence: intron variant.
Genome position: GRCh38 VCF-style: chr7-74053320-CTGTG-C. GRCh37 (hg19) VCF-style: chr7-73467650-CTGTG-C.
Other names: c.1111+12TG[17] (NM_001081754.3, NM_001081753.3); c.1096+12TG[17] (NM_001278939.2, NM_001278915.2, NM_001278912.2 and 1 more transcripts); c.1054+12TG[17] (NM_001278916.2); c.988+12TG[17] (NM_001278913.2); c.1081+12TG[17] (NM_001278914.2); c.1066+12TG[17] (NM_001278917.2, NM_001081752.3); c.964+12TG[17] (NM_001278918.2).
Identifiers: ClinVar variation 402825 (VCV000402825.15), dbSNP rs10579871, ClinGen allele CA4292827.